The following is an entry in ClinVar:

ClinVar aggregate classification (germline): Uncertain significance (1 of 4 stars; one submission).

Conditions:
Tuberous sclerosis 2 (TSC2). Identifiers: Orphanet 805, MedGen C1860707, MONDO:0013199, OMIM 613254.

Submission:

Labcorp Genetics (formerly Invitae), Labcorp
Classification: Uncertain significance for Tuberous sclerosis 2. Last evaluated: 2021-10-09. Review status: criteria provided, single submitter. Criteria: Invitae Variant Classification Sherloc (09022015). Collection method: clinical testing. Allele origin: germline.
Comment: In summary, the available evidence is currently insufficient to determine the role of this variant in disease. Therefore, it has been classified as a Variant of Uncertain Significance. Algorithms developed to predict the effect of sequence changes on RNA splicing suggest that this variant may create or strengthen a splice site. Algorithms developed to predict the effect of missense changes on protein structure and function are either unavailable or do not agree on the potential impact of this missense change (SIFT: "Deleterious"; PolyPhen-2: "Probably Damaging"; Align-GVGD: "Class C15"). This variant has not been reported in the literature in individuals affected with TSC2-related conditions. This variant is not present in population databases (ExAC no frequency). This sequence change replaces asparagine with tyrosine at codon 859 of the TSC2 protein (p.Asn859Tyr). The asparagine residue is highly conserved and there is a large physicochemical difference between asparagine and tyrosine.

NM_000548.5(TSC2):c.2575A>T (p.Asn859Tyr)

Gene: TSC2 (TSC complex subunit 2; plus strand). Cytogenetic location: 16p13.3.
Variant type: single nucleotide variant.
Coding change: c.2575A>T on transcript NM_000548.5 (MANE Select); coding-DNA position 2575, A replaced by T.
Protein change: p.Asn859Tyr; replaces asparagine 859 with tyrosine.
Molecular consequence: missense variant.
Genome position (GRCh38, 1-based): chr16:2,075,828, A>T. VCF-style: chr16-2075828-A-T. GRCh37 (hg19) VCF-style: chr16-2125829-A-T.
Other names: c.2575A>T, p.Asn859Tyr (NM_001077183.3, NM_001114382.3, NM_001363528.2 and 3 more transcripts); c.2464A>T, p.Asn822Tyr (NM_001318827.2); c.2428A>T, p.Asn810Tyr (NM_001318829.2); c.1975A>T, p.Asn659Tyr (NM_001318831.2); c.2608A>T, p.Asn870Tyr (NM_001318832.2); short protein forms N810Y, N822Y, N870Y, N659Y, N859Y.
Identifiers: ClinVar variation 1519368 (VCV001519368.6), dbSNP rs2151380450, ClinGen allele CA394278360.